The following is an entry in ClinVar:

NM_001365536.1(SCN9A):c.2527T>G (p.Phe843Val)

Genes: SCN9A (sodium voltage-gated channel alpha subunit 9; minus strand), SCN1A-AS1 (SCN1A and SCN9A antisense RNA 1; plus strand). Cytogenetic location: 2q24.3.
Variant type: single nucleotide variant.
Coding change: c.2527T>G on transcript NM_001365536.1 (MANE Select); coding-DNA position 2527, T replaced by G.
Protein change: p.Phe843Val; replaces phenylalanine 843 with valine.
Molecular consequence: missense variant.
Genome position (GRCh38, 1-based): chr2:166,277,330, A>C on the plus strand (T>G on the coding strand, the complement: SCN9A is on the minus strand). VCF-style: chr2-166277330-A-C. GRCh37 (hg19) VCF-style: chr2-167133840-A-C.
Other names: c.2494T>G, p.Phe832Val (NM_002977.4); short protein forms F832V, F843V.
Identifiers: ClinVar variation 4783396 (VCV004783396.1).

ClinVar aggregate classification (germline): Uncertain significance (1 of 4 stars; one submission).

Conditions:
Neuropathy, hereditary sensory and autonomic, type 2A (HSAN2A). Also called: ACROOSTEOLYSIS, GIACCAI TYPE; ACROOSTEOLYSIS, NEUROGENIC; WNK1-Related HSAN2 (HSAN2A); NEUROPATHY, HEREDITARY SENSORY RADICULAR, AUTOSOMAL RECESSIVE; MORVAN DISEASE; NEUROPATHY, CONGENITAL SENSORY. Identifiers: Orphanet 970, MedGen C2752089, MONDO:0024309, OMIM 201300.
Generalized epilepsy with febrile seizures plus, type 7 (GEFSP7). Also called: GEFS+, TYPE 7. Identifiers: Orphanet 36387, MedGen C2751778, MONDO:0013470, OMIM 613863.

Submission:

Labcorp Genetics (formerly Invitae), Labcorp
Classification: Uncertain significance for Neuropathy, hereditary sensory and autonomic, type 2A; Generalized epilepsy with febrile seizures plus, type 7. Last evaluated: 2025-04-10. Review status: criteria provided, single submitter. Criteria: Invitae Variant Classification Sherloc (09022015). Collection method: clinical testing. Allele origin: germline.
Comment: This sequence change replaces phenylalanine, which is neutral and non-polar, with valine, which is neutral and non-polar, at codon 832 of the SCN9A protein (p.Phe832Val). This variant is not present in population databases (gnomAD no frequency). This variant has not been reported in the literature in individuals affected with SCN9A-related conditions. Invitae Evidence Modeling of protein sequence and biophysical properties (such as structural, functional, and spatial information, amino acid conservation, physicochemical variation, residue mobility, and thermodynamic stability) has been performed for this missense variant. However, the output from this modeling did not meet the statistical confidence thresholds required to predict the impact of this variant on SCN9A protein function. In summary, the available evidence is currently insufficient to determine the role of this variant in disease. Therefore, it has been classified as a Variant of Uncertain Significance.